The following is an entry in ClinVar:

ClinVar aggregate classification (germline): Uncertain significance (1 of 4 stars; one submission).

Submission:

Centre of Medical Genetics, University Hospital Muenster
Classification: Uncertain significance. Last evaluated: 2021-12-17. Review status: criteria provided, single submitter. Criteria: ACMG Guidelines, 2015. Collection method: clinical testing. Allele origin: unknown. Affected: yes. Observed: 1 variant allele, 1 heterozygote.
Comment: ACMG categories: PM2,PP3,BP1

NM_030632.3(ASXL3):c.5992G>A (p.Glu1998Lys)

Gene: ASXL3 (ASXL transcriptional regulator 3; plus strand). Cytogenetic location: 18q12.1.
Variant type: single nucleotide variant.
Coding change: c.5992G>A on transcript NM_030632.3 (MANE Select); coding-DNA position 5992, G replaced by A.
Protein change: p.Glu1998Lys; replaces glutamic acid 1998 with lysine.
Molecular consequence: missense variant.
Genome position (GRCh38, 1-based): chr18:33,745,840, G>A. VCF-style: chr18-33745840-G-A. GRCh37 (hg19) VCF-style: chr18-31325804-G-A.
Other names: short protein forms E1998K.
Identifiers: ClinVar variation 1708351 (VCV001708351.2), dbSNP rs762717568, ClinGen allele CA402195933.